The following is an entry in ClinVar:

ClinVar aggregate classification (germline): Benign/Likely benign. Review status: criteria provided, multiple submitters, no conflicts (2 of 4 stars). 2 submissions from 2 submitters: Benign (1); Likely benign (1). Last evaluated 2026-09-01.

Allele frequency attached by ClinVar (database versions not stated): 1000 Genomes Project 0.00359; gnomAD 0.00623 and 0.00634; ESP Exome Variant Server 0.00715; 1000 Genomes Project 30x 0.00437; gnomAD exomes 0.00802 and 0.00557; ExAC 0.00629; TOPMed 0.00683.
gnomAD v4.1: 12,696 of 1,608,476 alleles (0.79%); highest among the groups gnomAD compares: Non-Finnish European, 0.9%; 66 homozygotes.

Submissions (2):

CeGaT Center for Human Genetics Tuebingen
Classification: Benign. Last evaluated: 2026-09-01. Review status: criteria provided, single submitter. Criteria: CeGaT Center For Human Genetics Tuebingen Variant Classification Criteria Version 2. Collection method: clinical testing. Allele origin: germline. Affected: yes. Observed: 68 variant alleles.
Comment: CUX1: BP4, BS1, BS2

Breakthrough Genomics
Classification: Likely benign. Review status: criteria provided, single submitter. Criteria: ACMG Guidelines, 2015. Collection method: not provided. Allele origin: germline. Inheritance: Autosomal dominant inheritance. Affected: yes.

NM_001913.5(CUX1):c.1636A>C (p.Lys546Gln)

Gene: CUX1 (cut like homeobox 1; plus strand). Cytogenetic location: 7q22.1.
Variant type: single nucleotide variant.
Coding change: c.1636A>C on transcript NM_001913.5 (MANE Plus Clinical); coding-DNA position 1636, A replaced by C.
Protein change: p.Lys546Gln; replaces lysine 546 with glutamine.
Molecular consequence: missense variant.
Genome position (GRCh38, 1-based): chr7:102,278,021, A>C. VCF-style: chr7-102278021-A-C. GRCh37 (hg19) VCF-style: chr7-101921292-A-C.
Other names: c.1588A>C, p.Lys530Gln (NM_001202544.3); c.1498A>C, p.Lys500Gln (NM_001202545.3); c.1519A>C, p.Lys507Gln (NM_001202546.3); c.1630A>C, p.Lys544Gln (NM_181500.4); short protein forms K500Q, K507Q, K530Q, K544Q, K546Q.
Identifiers: ClinVar variation 1299085 (VCV001299085.35), dbSNP rs118010189, ClinGen allele CA4411739.